The following is an entry in ClinVar:

NM_152703.5(SAMD9L):c.3461A>C (p.Glu1154Ala)

Gene: SAMD9L (sterile alpha motif domain containing 9 like; minus strand). Cytogenetic location: 7q21.2.
Variant type: single nucleotide variant.
Coding change: c.3461A>C on transcript NM_152703.5 (MANE Select); coding-DNA position 3461, A replaced by C.
Protein change: p.Glu1154Ala; replaces glutamic acid 1154 with alanine.
Molecular consequence: missense variant.
Genome position (GRCh38, 1-based): chr7:93,132,511, T>G on the plus strand (A>C on the coding strand, the complement: SAMD9L is on the minus strand). VCF-style: chr7-93132511-T-G. GRCh37 (hg19) VCF-style: chr7-92761824-T-G.
Other names: c.3461A>C, p.Glu1154Ala (NM_001303496.3, NM_001303497.3, NM_001303498.3 and 5 more transcripts); short protein forms E1154A.
Identifiers: ClinVar variation 3372952 (VCV003372952.1).
Genomic context (GRCh38, chr7:93,132,511, plus strand): 5'-TTTTTACTATCAGTTTGCCTTTGGGATTCTTTGAAAGCTCTTGAGGCTTTTTCCGCAGCT[T>G]CTAGGAGATGTGTTAGGTCATTAACAGTAATGCTCCTACAGTTTTTGTTCCCATCCAACC-3'
Protein context (NP_689916.2, residues 1144-1164): ITVNDLTHLL[Glu1154Ala]AAEKASRAFK

ClinVar aggregate classification (germline): Uncertain significance (1 of 4 stars; one submission).

gnomAD v4.1: 1 of 1,613,972 alleles (0.000062%); highest among the groups gnomAD compares: Non-Finnish European, 0.000085%; no homozygotes.

Submission:

GeneDx
Classification: Uncertain significance. Last evaluated: 2024-04-22. Review status: criteria provided, single submitter. Criteria: GeneDx Variant Classification Process June 2021. Collection method: clinical testing. Allele origin: germline. Affected: yes.
Comment: Not observed at significant frequency in large population cohorts (gnomAD); In silico analysis supports that this missense variant has a deleterious effect on protein structure/function; Has not been previously published as pathogenic or benign to our knowledge; This variant is associated with the following publications: (PMID: 28545555)